The following is an entry in ClinVar:

NM_004385.5(VCAN):c.6851A>G (p.Tyr2284Cys)

Genes: VCAN (versican; plus strand), VCAN-AS1 (VCAN antisense RNA 1; minus strand). Cytogenetic location: 5q14.3.
Variant type: single nucleotide variant.
Coding change: c.6851A>G on transcript NM_004385.5 (MANE Select); coding-DNA position 6851, A replaced by G.
Protein change: p.Tyr2284Cys; replaces tyrosine 2284 with cysteine.
Molecular consequence: missense variant. On other transcripts: intron variant (2).
Genome position (GRCh38, 1-based): chr5:83,539,854, A>G. VCF-style: chr5-83539854-A-G. GRCh37 (hg19) VCF-style: chr5-82835673-A-G.
Other names: c.3890A>G, p.Tyr1297Cys (NM_001164097.2); c.4004-5683A>G (NM_001164098.2); c.1043-5683A>G (NM_001126336.3); short protein forms Y1297C, Y2284C.
Identifiers: ClinVar variation 2111120 (VCV002111120.4), dbSNP rs879142124, ClinGen allele CA121810532.

ClinVar aggregate classification (germline): Uncertain significance (1 of 4 stars; one submission).

Allele frequency attached by ClinVar (database versions not stated): gnomAD exomes below 0.00001.
gnomAD v4.1: 1 of 1,614,096 alleles (0.000062%); highest among the groups gnomAD compares: South Asian, 0.0011%; no homozygotes.

Submission:

Labcorp Genetics (formerly Invitae), Labcorp
Classification: Uncertain significance. Last evaluated: 2024-01-02. Review status: criteria provided, single submitter. Criteria: Invitae Variant Classification Sherloc (09022015). Collection method: clinical testing. Allele origin: germline.
Comment: This sequence change replaces tyrosine, which is neutral and polar, with cysteine, which is neutral and slightly polar, at codon 2284 of the VCAN protein (p.Tyr2284Cys). This variant is not present in population databases (gnomAD no frequency). This variant has not been reported in the literature in individuals affected with VCAN-related conditions. ClinVar contains an entry for this variant (Variation ID: 2111120). An algorithm developed to predict the effect of missense changes on protein structure and function (PolyPhen-2) suggests that this variant is likely to be disruptive. In summary, the available evidence is currently insufficient to determine the role of this variant in disease. Therefore, it has been classified as a Variant of Uncertain Significance.